The following is an entry in ClinVar:

ClinVar aggregate classification (germline): Uncertain significance. Review status: criteria provided, single submitter (1 of 4 stars). 2 submissions from 2 submitters: Uncertain significance (1). 1 of the submissions does not count toward it. Last evaluated 2025-12-15.

Conditions:
Lysinuric protein intolerance (LPI). Identifiers: Orphanet 470, MedGen C0268647, MONDO:0009109, OMIM 222700.

Allele frequency attached by ClinVar (database versions not stated): gnomAD 0.00001; ExAC 0.00002; gnomAD exomes 0.00002; TOPMed 0.00003.
gnomAD v4.1: 26 of 1,613,948 alleles (0.0016%); highest among the groups gnomAD compares: African/African-American, 0.004%; no homozygotes.

Submissions (2):

Labcorp Genetics (formerly Invitae), Labcorp
Classification: Uncertain significance for Lysinuric protein intolerance. Last evaluated: 2025-12-15. Review status: criteria provided, single submitter. Criteria: Invitae Variant Classification Sherloc (09022015). Collection method: clinical testing. Allele origin: germline.
Comment: This sequence change replaces alanine, which is neutral and non-polar, with valine, which is neutral and non-polar, at codon 197 of the SLC7A7 protein (p.Ala197Val). This variant is present in population databases (rs780597284, gnomAD 0.004%). This variant has not been reported in the literature in individuals affected with SLC7A7-related conditions. ClinVar contains an entry for this variant (Variation ID: 855628). An algorithm developed to predict the effect of missense changes on protein structure and function (PolyPhen-2) suggests that this variant is likely to be tolerated. In summary, the available evidence is currently insufficient to determine the role of this variant in disease. Therefore, it has been classified as a Variant of Uncertain Significance.

Natera, Inc.
Classification: Uncertain significance for Lysinuric protein intolerance. Last evaluated: 2020-03-11. Review status: no assertion criteria provided. Collection method: clinical testing. Allele origin: germline. Not counted in ClinVar's aggregate classification.

NM_003982.4(SLC7A7):c.590C>T (p.Ala197Val)

Gene: SLC7A7 (solute carrier family 7 member 7; minus strand). Cytogenetic location: 14q11.2.
Variant type: single nucleotide variant.
Coding change: c.590C>T on transcript NM_003982.4 (MANE Select); coding-DNA position 590, C replaced by T.
Protein change: p.Ala197Val; replaces alanine 197 with valine.
Molecular consequence: missense variant.
Genome position (GRCh38, 1-based): chr14:22,779,961, G>A on the plus strand (C>T on the coding strand, the complement: SLC7A7 is on the minus strand). VCF-style: chr14-22779961-G-A. GRCh37 (hg19) VCF-style: chr14-23249170-G-A.
Other names: c.590C>T, p.Ala197Val (NM_001126105.3, NM_001126106.4); short protein forms A197V.
Identifiers: ClinVar variation 855628 (VCV000855628.6), dbSNP rs780597284, ClinGen allele CA7104663.
Genomic context (GRCh38, chr14:22,779,961, plus strand): 5'-AGTTGCTACTAATATTATTTCTTACCCTGGCCAAGTCTAACAATGCCTGCAACGATGACC[G>A]CGATCAGTGCCAATACTTTAGCATAGGTGAAAATATCTTGTACCAGGGTTCCCCATTTGA-3'
Protein context (NP_003973.3, residues 187-207): FTYAKVLALI[Ala197Val]VIVAGIVRLG